The following is an entry in ClinVar:

NM_201599.3(ZMYM3):c.1188G>C (p.Pro396=)

Gene: ZMYM3 (zinc finger MYM-type containing 3; minus strand). Cytogenetic location: Xq13.1.
Variant type: single nucleotide variant.
Coding change: c.1188G>C on transcript NM_201599.3 (MANE Select); coding-DNA position 1188, G replaced by C.
Protein change: p.Pro396=; no amino-acid change (proline 396 retained).
Molecular consequence: synonymous variant.
Genome position (GRCh38, 1-based): chrX:71,250,089, C>G on the plus strand (G>C on the coding strand, the complement: ZMYM3 is on the minus strand). VCF-style: chrX-71250089-C-G. GRCh37 (hg19) VCF-style: chrX-70469939-C-G.
Other names: c.1188G>C, p.Pro396= (NM_001171162.1, NM_001171163.1, NM_005096.3).
Identifiers: ClinVar variation 2660866 (VCV002660866.24), dbSNP rs143651259, ClinGen allele CA10445829.

ClinVar aggregate classification (germline): Likely benign (1 of 4 stars; one submission).

Allele frequency attached by ClinVar (database versions not stated): ESP Exome Variant Server 0.00019.
gnomAD v4.1: 240 of 1,204,356 alleles (0.02%); highest among the groups gnomAD compares: Middle Eastern, 0.046%; no homozygotes.

Submission:

CeGaT Center for Human Genetics Tuebingen
Classification: Likely benign. Last evaluated: 2026-04-01. Review status: criteria provided, single submitter. Criteria: CeGaT Center For Human Genetics Tuebingen Variant Classification Criteria Version 2. Collection method: clinical testing. Allele origin: germline. Affected: yes. Observed: 2 variant alleles.
Comment: ZMYM3: BP4, BP7, BS2